The following is an entry in ClinVar:

NM_000089.4(COL1A2):c.2464C>T (p.Arg822Cys)

Gene: COL1A2 (collagen type I alpha 2 chain; plus strand). Cytogenetic location: 7q21.3.
Variant type: single nucleotide variant.
Coding change: c.2464C>T on transcript NM_000089.4 (MANE Select); coding-DNA position 2464, C replaced by T.
Protein change: p.Arg822Cys; replaces arginine 822 with cysteine.
Molecular consequence: missense variant.
Genome position (GRCh38, 1-based): chr7:94,423,017, C>T. VCF-style: chr7-94423017-C-T. GRCh37 (hg19) VCF-style: chr7-94052329-C-T.
Other names: short protein forms R822C.
Identifiers: ClinVar variation 2947446 (VCV002947446.5), dbSNP rs142458320, ClinGen allele CA4347452.

ClinVar aggregate classification (germline): Uncertain significance. Review status: criteria provided, multiple submitters, no conflicts (2 of 4 stars). 3 submissions from 3 submitters: Uncertain significance (3). Last evaluated 2026-02-02.

Conditions:
Ehlers-Danlos syndrome, arthrochalasia type, 2. Also called: EHLERS-DANLOS SYNDROME, TYPE VIIB, AUTOSOMAL DOMINANT. Identifiers: MedGen CN293783, MONDO:0040501, OMIM 617821.
Combined osteogenesis imperfecta and Ehlers-Danlos syndrome 2. Also called: OIEDS SYNDROME 2. Identifiers: MedGen C5436847, MONDO:0030855, OMIM 619120.
Ehlers-Danlos syndrome, classic type, 1 (EDSCL1). Also called: EHLERS-DANLOS SYNDROME, GRAVIS TYPE; EHLERS-DANLOS SYNDROME, SEVERE CLASSIC TYPE; Ehlers-Danlos syndrome, type 1; EDS I; Ehlers-Danlos Syndrome, Classic Type, COL5A1-Related. Identifiers: MedGen C0268335, MONDO:0019567, OMIM 130000.
Osteogenesis imperfecta type I (OI1). Also called: OSTEOGENESIS IMPERFECTA TARDA; OSTEOGENESIS IMPERFECTA WITH BLUE SCLERAE; Osteogenesis imperfecta type 1; Lobstein's Disease; Lobstein disease; OI, TYPE I. Identifiers: Orphanet 216796, Orphanet 666, MedGen C0023931, MONDO:0008146, OMIM 166200. Disease mechanism: loss of function.

Allele frequency attached by ClinVar (database versions not stated): gnomAD 0.00001; gnomAD exomes 0.00001; TOPMed 0.00001; ESP Exome Variant Server 0.00015; ExAC 0.00002.

Submissions (3):

GeneDx
Classification: Uncertain significance. Last evaluated: 2026-02-02. Review status: criteria provided, single submitter. Criteria: GeneDx Variant Classification Process June 2021. Collection method: clinical testing. Allele origin: germline.
Comment: Not observed at significant frequency in large population cohorts (gnomAD); In silico analysis supports that this missense variant has a deleterious effect on protein structure/function; Has not been previously published as pathogenic or benign to our knowledge; Occurs in the triple helical domain at the Y position in the canonical Gly-X-Y repeat; although this variant may have an effect on normal protein folding and function, missense substitution at the Y position is not a common mechanism of disease (HGMD)

Labcorp Genetics (formerly Invitae), Labcorp
Classification: Uncertain significance for Osteogenesis imperfecta type I; Ehlers-Danlos syndrome, classic type, 1. Last evaluated: 2025-10-18. Review status: criteria provided, single submitter. Criteria: Invitae Variant Classification Sherloc (09022015). Collection method: clinical testing. Allele origin: germline.
Comment: This sequence change replaces arginine, which is basic and polar, with cysteine, which is neutral and slightly polar, at codon 822 of the COL1A2 protein (p.Arg822Cys). This variant is present in population databases (rs142458320, gnomAD 0.003%). This variant has not been reported in the literature in individuals affected with COL1A2-related conditions. ClinVar contains an entry for this variant (Variation ID: 2947446). Invitae Evidence Modeling of protein sequence and biophysical properties (such as structural, functional, and spatial information, amino acid conservation, physicochemical variation, residue mobility, and thermodynamic stability) indicates that this missense variant is expected to disrupt COL1A2 protein function with a positive predictive value of 95%. In summary, the available evidence is currently insufficient to determine the role of this variant in disease. Therefore, it has been classified as a Variant of Uncertain Significance.

Clinical Genomics Laboratory, Washington University in St. Louis
Classification: Uncertain significance for Ehlers-Danlos syndrome, arthrochalasia type, 2; Combined osteogenesis imperfecta and Ehlers-Danlos syndrome 2. Last evaluated: 2024-01-05. Review status: criteria provided, single submitter. Criteria: ACMG Guidelines, 2015. Collection method: clinical testing. Allele origin: germline.
Comment: The COL1A2 c.2464C>T (p.Arg822Cys) variant, to our knowledge, has not been reported in the medical literature. The highest population minor allele frequency in the population database genome aggregation database (v.2.1.1) is 0.003% in the South Asian population. Computational predictors indicate that the variant is damaging, evidence that correlates with impact to COL1A2 function. Due to limited information, and based on ACMG/AMP guidelines for variant interpretation (Richards S et al., PMID: 25741868), the clinical significance of this variant is uncertain at this time.